The following is an entry in ClinVar:

NM_001099274.3(TINF2):c.324G>C (p.Leu108Phe)

Gene: TINF2 (TERF1 interacting nuclear factor 2; minus strand). Cytogenetic location: 14q12.
Variant type: single nucleotide variant.
Coding change: c.324G>C on transcript NM_001099274.3 (MANE Select); coding-DNA position 324, G replaced by C.
Protein change: p.Leu108Phe; replaces leucine 108 with phenylalanine.
Molecular consequence: missense variant.
Genome position (GRCh38, 1-based): chr14:24,241,750, C>G on the plus strand (G>C on the coding strand, the complement: TINF2 is on the minus strand). VCF-style: chr14-24241750-C-G. GRCh37 (hg19) VCF-style: chr14-24710956-C-G.
Other names: c.219G>C, p.Leu73Phe (NM_001363668.2); c.324G>C, p.Leu108Phe (NM_012461.3); short protein forms L108F, L73F.
Identifiers: ClinVar variation 1463082 (VCV001463082.8), dbSNP rs2139002450, ClinGen allele CA389233318.

ClinVar aggregate classification (germline): Uncertain significance (1 of 4 stars; one submission).

Conditions:
Dyskeratosis congenita. Identifiers: Orphanet 1775, MedGen C0265965, MONDO:0015780.

Submission:

Labcorp Genetics (formerly Invitae), Labcorp
Classification: Uncertain significance for Dyskeratosis congenita. Last evaluated: 2025-04-21. Review status: criteria provided, single submitter. Criteria: Invitae Variant Classification Sherloc (09022015). Collection method: clinical testing. Allele origin: germline.
Comment: This sequence change replaces leucine, which is neutral and non-polar, with phenylalanine, which is neutral and non-polar, at codon 108 of the TINF2 protein (p.Leu108Phe). This variant is not present in population databases (gnomAD no frequency). This variant has not been reported in the literature in individuals affected with TINF2-related conditions. ClinVar contains an entry for this variant (Variation ID: 1463082). An algorithm developed to predict the effect of missense changes on protein structure and function (PolyPhen-2) suggests that this variant is likely to be disruptive. In summary, the available evidence is currently insufficient to determine the role of this variant in disease. Therefore, it has been classified as a Variant of Uncertain Significance.